The following is an entry in ClinVar:

NM_016156.6(MTMR2):c.1357T>C (p.Trp453Arg)

Gene: MTMR2 (myotubularin related protein 2; minus strand). Cytogenetic location: 11q21.
Variant type: single nucleotide variant.
Coding change: c.1357T>C on transcript NM_016156.6 (MANE Select); coding-DNA position 1357, T replaced by C.
Protein change: p.Trp453Arg; replaces tryptophan 453 with arginine.
Molecular consequence: missense variant.
Genome position (GRCh38, 1-based): chr11:95,844,982, A>G on the plus strand (T>C on the coding strand, the complement: MTMR2 is on the minus strand). VCF-style: chr11-95844982-A-G. GRCh37 (hg19) VCF-style: chr11-95578146-A-G.
Other names: c.1141T>C, p.Trp381Arg (NM_001243571.2, NM_201278.3, NM_201281.3); short protein forms W381R, W453R.
Identifiers: ClinVar variation 3391233 (VCV003391233.1).

ClinVar aggregate classification (germline): Uncertain significance (1 of 4 stars; one submission).

Conditions:
Charcot-Marie-Tooth disease type 4B1. Also called: CHARCOT-MARIE-TOOTH DISEASE, AUTOSOMAL RECESSIVE, WITH FOCALLY FOLDED MYELIN SHEATHS, AUTOSOMAL RECESSIVE, TYPE 4B1; CHARCOT-MARIE-TOOTH DISEASE, TYPE 4B; Charcot-Marie-Tooth Neuropathy Type 4B1; CHARCOT-MARIE-TOOTH DISEASE, DEMYELINATING, TYPE 4B1. Identifiers: Orphanet 99955, MedGen C1832399, MONDO:0011066, OMIM 601382.

Submission:

Neuberg Centre For Genomic Medicine, NCGM
Classification: Uncertain significance for Charcot-Marie-Tooth disease type 4B1. Review status: criteria provided, single submitter. Criteria: ACMG Guidelines, 2015. Collection method: clinical testing. Allele origin: germline. Inheritance: Autosomal recessive inheritance. Affected: yes.
Comment: The observed missense variant c.1357T>Cp.Trp453Arg in the MTMR2 gene has not been reported previously as a pathogenic variant nor as a benign variant, to our knowledge. This variant is absent in the gnomAD Exomes. The amino acid Trp at position 453 is changed to a Arg changing protein sequence and it might alter its composition and physico-chemical properties. Multiple lines of computational evidence Polyphen - Damaging, SIFT - Damaging and MutationTaster - Disease causing predict a damaging effect on protein structure and function for this variant. The residue is conserved by GERP++ and PhyloP across 100 vertebrates. For these reasons, this variant has been classified as Uncertain Significance.